The following is an entry in ClinVar:

ClinVar aggregate classification (germline): Uncertain significance (1 of 4 stars; one submission).

Conditions:
Kabuki syndrome. Also called: NIIKAWA-KUROKI SYNDROME; Kabuki make-up syndrome. Identifiers: Orphanet 2322, MedGen C0796004, MONDO:0016512.

Submission:

Labcorp Genetics (formerly Invitae), Labcorp
Classification: Uncertain significance for Kabuki syndrome. Last evaluated: 2025-10-13. Review status: criteria provided, single submitter. Criteria: Invitae Variant Classification Sherloc (09022015). Collection method: clinical testing. Allele origin: germline.
Comment: This sequence change replaces leucine, which is neutral and non-polar, with proline, which is neutral and non-polar, at codon 4075 of the KMT2D protein (p.Leu4075Pro). This variant is not present in population databases (gnomAD no frequency). This variant has not been reported in the literature in individuals affected with KMT2D-related conditions. ClinVar contains an entry for this variant (Variation ID: 3635111). Invitae Evidence Modeling of protein sequence and biophysical properties (such as structural, functional, and spatial information, amino acid conservation, physicochemical variation, residue mobility, and thermodynamic stability) has been performed for this missense variant. However, the output from this modeling did not meet the statistical confidence thresholds required to predict the impact of this variant on KMT2D protein function. In summary, the available evidence is currently insufficient to determine the role of this variant in disease. Therefore, it has been classified as a Variant of Uncertain Significance.

NM_003482.4(KMT2D):c.12224T>C (p.Leu4075Pro)

Gene: KMT2D (lysine methyltransferase 2D; minus strand). Cytogenetic location: 12q13.12.
Variant type: single nucleotide variant.
Coding change: c.12224T>C on transcript NM_003482.4 (MANE Select); coding-DNA position 12224, T replaced by C.
Protein change: p.Leu4075Pro; replaces leucine 4075 with proline.
Molecular consequence: missense variant.
Genome position (GRCh38, 1-based): chr12:49,032,481, A>G on the plus strand (T>C on the coding strand, the complement: KMT2D is on the minus strand). VCF-style: chr12-49032481-A-G. GRCh37 (hg19) VCF-style: chr12-49426264-A-G.
Other names: short protein forms L4075P.
Identifiers: ClinVar variation 3635111 (VCV003635111.2).